The following is an entry in ClinVar:

ClinVar aggregate classification (germline): Uncertain significance (1 of 4 stars; one submission).

Submission:

Labcorp Genetics (formerly Invitae), Labcorp
Classification: Uncertain significance. Last evaluated: 2025-04-28. Review status: criteria provided, single submitter. Criteria: Invitae Variant Classification Sherloc (09022015). Collection method: clinical testing. Allele origin: germline.
Comment: This sequence change replaces isoleucine, which is neutral and non-polar, with phenylalanine, which is neutral and non-polar, at codon 897 of the ADGRA3 protein (p.Ile897Phe). This variant is present in population databases (rs763374789, gnomAD 0.007%). This variant has not been reported in the literature in individuals affected with ADGRA3-related conditions. ClinVar contains an entry for this variant (Variation ID: 1513277). An algorithm developed to predict the effect of missense changes on protein structure and function (PolyPhen-2) suggests that this variant is likely to be disruptive. In summary, the available evidence is currently insufficient to determine the role of this variant in disease. Therefore, it has been classified as a Variant of Uncertain Significance.

NM_145290.4(ADGRA3):c.2689A>T (p.Ile897Phe)

Gene: ADGRA3 (adhesion G protein-coupled receptor A3; minus strand). Cytogenetic location: 4p15.2.
Variant type: single nucleotide variant.
Coding change: c.2689A>T on transcript NM_145290.4 (MANE Select); coding-DNA position 2689, A replaced by T.
Protein change: p.Ile897Phe; replaces isoleucine 897 with phenylalanine.
Molecular consequence: missense variant.
Genome position (GRCh38, 1-based): chr4:22,389,122, T>A on the plus strand (A>T on the coding strand, the complement: ADGRA3 is on the minus strand). VCF-style: chr4-22389122-T-A. GRCh37 (hg19) VCF-style: chr4-22390745-T-A.
Other names: short protein forms I897F.
Identifiers: ClinVar variation 1513277 (VCV001513277.6), dbSNP rs763374789, ClinGen allele CA2873558.
Genomic context (GRCh38, chr4:22,389,122, plus strand): 5'-GTACACAGAGAATATAAAATACTCACTAGGGTGCGTTTGGCCGACTGCCGTAATTCTTAA[T>A]GTTCGCTGCTGCAGTTATGCCGCAAACAATGATGGGGATACCACCACCAATCAGGTAAAA-3'
Protein context (NP_660333.2, residues 887-907): IVCGITAAAN[Ile897Phe]KNYGSRPNAP